The following is an entry in ClinVar:

NM_000141.5(FGFR2):c.1914T>A (p.Asn638Lys)

Gene: FGFR2 (fibroblast growth factor receptor 2; minus strand). Cytogenetic location: 10q26.13.
Variant type: single nucleotide variant.
Coding change: c.1914T>A on transcript NM_000141.5 (MANE Select); coding-DNA position 1914, T replaced by A.
Protein change: p.Asn638Lys; replaces asparagine 638 with lysine.
Molecular consequence: missense variant. On other transcripts: non-coding transcript variant (1).
Genome position (GRCh38, 1-based): chr10:121,488,063, A>T on the plus strand (T>A on the coding strand, the complement: FGFR2 is on the minus strand). VCF-style: chr10-121488063-A-T. GRCh37 (hg19) VCF-style: chr10-123247577-A-T.
Other names: c.1917T>A, p.Asn639Lys (NM_001144913.1, NM_022970.4); c.1578T>A, p.Asn526Lys (NM_001144914.1); c.1647T>A, p.Asn549Lys (NM_001144915.2, NM_023029.3); c.1569T>A, p.Asn523Lys (NM_001144916.2); c.1566T>A, p.Asn522Lys (NM_001144917.2); c.1563T>A, p.Asn521Lys (NM_001144918.2); c.1650T>A, p.Asn550Lys (NM_001144919.2); c.1230T>A, p.Asn410Lys (NM_001320654.2); and 1 more; short protein forms N638K, N639K, N526K, N410K, N522K, N549K, N521K, N523K.
Identifiers: ClinVar variation 4741957 (VCV004741957.1), dbSNP rs1057519854.

ClinVar aggregate classification (germline): Uncertain significance (1 of 4 stars; one submission).

Conditions:
FGFR2-related craniosynostosis. Identifiers: MedGen CN231480.

Submission:

Labcorp Genetics (formerly Invitae), Labcorp
Classification: Uncertain significance for FGFR2-related craniosynostosis. Last evaluated: 2025-10-08. Review status: criteria provided, single submitter. Criteria: Invitae Variant Classification Sherloc (09022015). Collection method: clinical testing. Allele origin: germline.
Comment: This sequence change replaces asparagine, which is neutral and polar, with lysine, which is basic and polar, at codon 638 of the FGFR2 protein (p.Asn638Lys). This variant is not present in population databases (gnomAD no frequency). This variant has not been reported in the literature in individuals affected with FGFR2-related conditions. Invitae Evidence Modeling of protein sequence and biophysical properties (such as structural, functional, and spatial information, amino acid conservation, physicochemical variation, residue mobility, and thermodynamic stability) indicates that this missense variant is not expected to disrupt FGFR2 protein function with a negative predictive value of 80%. In summary, the available evidence is currently insufficient to determine the role of this variant in disease. Therefore, it has been classified as a Variant of Uncertain Significance.